The following is an entry in ClinVar:

NM_014363.6(SACS):c.99del (p.Asp33fs)

Genes: SACS (sacsin molecular chaperone; minus strand), LOC130009366 (ATAC-STARR-seq lymphoblastoid silent region 5172; plus strand). Cytogenetic location: 13q12.12.
Variant type: Deletion.
Coding change: c.99del on transcript NM_014363.6 (MANE Select); coding-DNA position 99, one base deleted (T; older notation c.99delT).
Protein change: p.Asp33fs; shifts the reading frame from aspartic acid 33.
Molecular consequence: frameshift variant. On other transcripts: 5 prime UTR variant (1).
Genome position (GRCh38, 1-based): chr13:23,375,191, A deleted on the plus strand (T on the coding strand, the reverse complement: SACS is on the minus strand). VCF-style (leftmost placement, unchanged base first): chr13-23375190-CA-C. GRCh37 (hg19) VCF-style: chr13-23949329-CA-C.
Other names: c.-255del (NM_001278055.2); short protein forms D33fs.
Identifiers: ClinVar variation 3242506 (VCV003242506.1).

ClinVar aggregate classification (germline): Likely pathogenic (1 of 4 stars; one submission).

Conditions:
Charlevoix-Saguenay spastic ataxia (SACS). Also called: AUTOSOMAL RECESSIVE SPASTIC ATAXIA OF CHARLEVOIX-SAGUENAY; Spastic ataxia of Charlevoix-Saguenay; SPASTIC ATAXIA 6, AUTOSOMAL RECESSIVE. Identifiers: Orphanet 98, MedGen C1849140, MONDO:0010041, OMIM 270550.

Submission:

PROSPAX: an integrated multimodal progression  chart in spastic ataxias, Center for Neurology; Hertie-Institute for Clinical Brain Research
Classification: Likely pathogenic for Charlevoix-Saguenay spastic ataxia. Last evaluated: 2022-01-01. Review status: criteria provided, single submitter. Criteria: ACMG Guidelines, 2015. Collection method: research. Allele origin: germline. Affected: yes.
Comment: Variant seen in compound het: [c.99del;c.8479dupT]